The following is an entry in ClinVar:

NM_000719.7(CACNA1C):c.3898A>G (p.Ile1300Val)

Gene: CACNA1C (calcium voltage-gated channel subunit alpha1 C; plus strand). Cytogenetic location: 12p13.33.
Variant type: single nucleotide variant.
Coding change: c.3898A>G on transcript NM_000719.7 (MANE Select); coding-DNA position 3898, A replaced by G.
Protein change: p.Ile1300Val; replaces isoleucine 1300 with valine.
Molecular consequence: missense variant. On other transcripts: intron variant (6).
Genome position (GRCh38, 1-based): chr12:2,634,366, A>G. VCF-style: chr12-2634366-A-G. GRCh37 (hg19) VCF-style: chr12-2743532-A-G.
Other names: c.4042A>G, p.Ile1348Val (NM_001129827.2, NM_199460.4); c.3898A>G, p.Ile1300Val (NM_001129829.2, NM_001129830.3, NM_001129834.2 and 8 more transcripts); c.3982A>G, p.Ile1328Val (NM_001129831.2, NM_001129836.2); c.3958A>G, p.Ile1320Val (NM_001129832.2); c.3912+654A>G (NM_001167624.3, NM_001167623.2, NM_001129833.2 and 2 more transcripts); c.3903+654A>G (NM_001129844.2); short protein forms I1300V, I1348V, I1320V, I1328V.
Identifiers: ClinVar variation 666128 (VCV000666128.7), dbSNP rs1603022300, ClinGen allele CA383380281.
Genomic context (GRCh38, chr12:2,634,366, plus strand): 5'-TGTGATGCATGGAATACATTTGACGCCTTGATTGTTGTGGGTAGCATTGTTGATATAGCA[A>G]TCACCGAGGTAAACGTAAGTACATGGCGTCTGTCCCTAACCGTCCGTGCCTGCTCTAACA-3'
Protein context (NP_000710.5, residues 1290-1310): IVVGSIVDIA[Ile1300Val]TEVNPAEHTQ

ClinVar aggregate classification (germline): Uncertain significance (1 of 4 stars; one submission).

Conditions:
Long QT syndrome (LQTS). Identifiers: MedGen C0023976, MeSH D008133, MONDO:0002442. Disease mechanism: loss of function. Inheritance: Various modes of inheritance.

Allele frequency attached by ClinVar (database versions not stated): gnomAD exomes below 0.00001.
gnomAD v4.1: 1 of 1,574,248 alleles (0.000064%); highest among the groups gnomAD compares: Non-Finnish European, 0.000087%; no homozygotes.

Submission:

Labcorp Genetics (formerly Invitae), Labcorp
Classification: Uncertain significance for Long QT syndrome. Last evaluated: 2021-11-08. Review status: criteria provided, single submitter. Criteria: Invitae Variant Classification Sherloc (09022015). Collection method: clinical testing. Allele origin: germline.
Comment: This sequence change replaces isoleucine, which is neutral and non-polar, with valine, which is neutral and non-polar, at codon 1300 of the CACNA1C protein (p.Ile1300Val). This variant is not present in population databases (gnomAD no frequency). This variant has not been reported in the literature in individuals affected with CACNA1C-related conditions. ClinVar contains an entry for this variant (Variation ID: 666128). Algorithms developed to predict the effect of missense changes on protein structure and function (SIFT, PolyPhen-2, Align-GVGD) all suggest that this variant is likely to be tolerated. In summary, the available evidence is currently insufficient to determine the role of this variant in disease. Therefore, it has been classified as a Variant of Uncertain Significance.